The following is an entry in ClinVar:

ClinVar aggregate classification (germline): Likely benign. Review status: criteria provided, multiple submitters, no conflicts (2 of 4 stars). 3 submissions from 3 submitters: Likely benign (3). Last evaluated 2022-07-01.

Allele frequency attached by ClinVar (database versions not stated): TOPMed 0.00247; ESP Exome Variant Server 0.00288; 1000 Genomes Project 30x 0.00297; 1000 Genomes Project 0.00300.
gnomAD v4.1: 4,125 of 1,613,710 alleles (0.26%); highest among the groups gnomAD compares: Middle Eastern, 2.5%; 32 homozygotes.

Submissions (3):

CeGaT Center for Human Genetics Tuebingen
Classification: Likely benign. Last evaluated: 2022-07-01. Review status: criteria provided, single submitter. Criteria: CeGaT Center For Human Genetics Tuebingen Variant Classification Criteria Version 2. Collection method: clinical testing. Allele origin: germline. Affected: yes. Observed: 1 variant allele.
Comment: SCN7A: BP4

Labcorp Genetics (formerly Invitae), Labcorp
Classification: Likely benign. Last evaluated: 2019-12-31. Review status: criteria provided, single submitter. Criteria: Invitae Variant Classification Sherloc (09022015). Collection method: clinical testing. Allele origin: germline.

Breakthrough Genomics
Classification: Likely benign. Review status: criteria provided, single submitter. Criteria: ACMG Guidelines, 2015. Collection method: not provided. Allele origin: germline. Inheritance: Unknown mechanism. Affected: yes.

NM_002976.4(SCN7A):c.2408A>T (p.Asp803Val)

Gene: SCN7A (sodium voltage-gated channel alpha subunit 7; minus strand). Cytogenetic location: 2q24.3.
Variant type: single nucleotide variant.
Coding change: c.2408A>T on transcript NM_002976.4 (MANE Select); coding-DNA position 2408, A replaced by T.
Protein change: p.Asp803Val; replaces aspartic acid 803 with valine.
Molecular consequence: missense variant. On other transcripts: non-coding transcript variant (1).
Genome position (GRCh38, 1-based): chr2:166,432,502, T>A on the plus strand (A>T on the coding strand, the complement: SCN7A is on the minus strand). VCF-style: chr2-166432502-T-A. GRCh37 (hg19) VCF-style: chr2-167289012-T-A.
Other names: short protein forms D803V.
Identifiers: ClinVar variation 773488 (VCV000773488.29), dbSNP rs148715564, ClinGen allele CA1945461.